The following is an entry in ClinVar:

NM_001376.5(DYNC1H1):c.9057T>A (p.Gly3019=)

Genes: DYNC1H1 (dynein cytoplasmic 1 heavy chain 1; plus strand), LOC126862060 (BRD4-independent group 4 enhancer GRCh37_chr14:102493659-102494858; plus strand). Cytogenetic location: 14q32.31.
Variant type: single nucleotide variant.
Coding change: c.9057T>A on transcript NM_001376.5 (MANE Select); coding-DNA position 9057, T replaced by A.
Protein change: p.Gly3019=; no amino-acid change (glycine 3019 retained).
Molecular consequence: synonymous variant.
Genome position (GRCh38, 1-based): chr14:102,027,627, T>A. VCF-style: chr14-102027627-T-A. GRCh37 (hg19) VCF-style: chr14-102493964-T-A.
Identifiers: ClinVar variation 508282 (VCV000508282.1), dbSNP rs778613903, ClinGen allele CA488185339.
Genomic context (GRCh38, chr14:102,027,627, plus strand): 5'-TGCATTACGTGTTACCGGGGGACCAGTAAGTCAGCACTGTGCTGTTTCCCAGGTGCCTGG[T>A]CTCTTTGAAGGAGACGAGTATGCCACCTTGATGACGCAGTGCAAAGAGGGGGCACAGAAG-3'
Protein context (NP_001367.2, residues 3009-3029): NTLLANGEVP[Gly3019=]LFEGDEYATL

ClinVar aggregate classification (germline): Likely benign (1 of 4 stars; one submission).

gnomAD v4.1: 1 of 1,614,030 alleles (0.000062%); highest among the groups gnomAD compares: Non-Finnish European, 0.000085%; no homozygotes.

Submission:

GeneDx
Classification: Likely benign. Last evaluated: 2017-03-22. Review status: criteria provided, single submitter. Criteria: GeneDx Variant Classification (06012015). Collection method: clinical testing. Allele origin: germline. Affected: yes.
Comment: This variant is considered likely benign or benign based on one or more of the following criteria: it is a conservative change, it occurs at a poorly conserved position in the protein, it is predicted to be benign by multiple in silico algorithms, and/or has population frequency not consistent with disease.